The following is an entry in ClinVar:

NM_000219.6(KCNE1):c.185T>C (p.Met62Thr)

Gene: KCNE1 (potassium voltage-gated channel subfamily E regulatory subunit 1; minus strand). Cytogenetic location: 21q22.12.
Variant type: single nucleotide variant.
Coding change: c.185T>C on transcript NM_000219.6 (MANE Select); coding-DNA position 185, T replaced by C.
Protein change: p.Met62Thr; replaces methionine 62 with threonine.
Molecular consequence: missense variant.
Genome position (GRCh38, 1-based): chr21:34,449,450, A>G on the plus strand (T>C on the coding strand, the complement: KCNE1 is on the minus strand). VCF-style: chr21-34449450-A-G. GRCh37 (hg19) VCF-style: chr21-35821748-A-G.
Other names: c.185T>C, p.Met62Thr (NM_001127668.4, NM_001127669.4, NM_001127670.4 and 4 more transcripts); short protein forms M62T.
Identifiers: ClinVar variation 3374272 (VCV003374272.2).
Genomic context (GRCh38, chr21:34,449,450, plus strand): 5'-ATGTAGACGTTGAATGGGTCGTTCGAGTGCTCCAGCTTCTTGGAGCGGATGTAGCTCAGC[A>G]TGATGCCCAGGGTGAAGAAGCCGAAGAATCCCAGTACCATGAGGACGTAGAGGGCCTCCA-3'
Protein context (NP_000210.2, residues 52-72): GFFGFFTLGI[Met62Thr]LSYIRSKKLE

Conditions:
Long QT syndrome 5 (LQT5). Identifiers: Orphanet 101016, Orphanet 768, MedGen C1867904, MONDO:0013372, OMIM 613695.

Submission:

Roden Lab, Vanderbilt University Medical Center
No classification provided (evidence only). Condition: Long QT syndrome 5. Review status: no classification provided. Collection method: in vitro. Allele origin: not applicable. Functional consequence: Effect on ion channel function.
ClinVar note: "not provided" was previously submitted as the classification for the variant. However, the classification appeared to be based only on an observation of functional data so it was converted to no classification on 2025-07-30.